The following is an entry in ClinVar:

ClinVar aggregate classification (germline): Pathogenic (1 of 4 stars; one submission).

Conditions:
Complex neurodevelopmental disorder. Identifiers: Orphanet 528084, MedGen C5568766, MONDO:0100038.

Submissions (2):

GeneDx
Classification: Pathogenic. Last evaluated: 2013-05-07. Review status: criteria provided, single submitter. Criteria: GeneDx Variant Classification (06012015). Collection method: clinical testing. Allele origin: germline. Affected: yes.
Comment: p.Glu430Ala (GAA>GCA): c.1289 A>C in exon 10 of the SCN2A gene (NM_021007.2). The Glu430Ala missense change has not been published as a mutation, nor has it been reported as a benign polymorphism to our knowledge. It was not observed in approximately 6,500 individuals of European and African American ancestry in the NHLBI Exome Sequencing Project, indicating it is not a common benign variant in these populations. The amino acid substitution is non-conservative, as a negatively charged Glutamic acid residue is replaced by an uncharged, non-polar Alanine residue. It alters a highly conserved position in the cytoplasmic loop between the first and second transmembrane domains, and multiple in silico algorithms predict Glu430Ala is likely damaging to protein structure/function. A different amino acid substitution at the same position, Glu430Gln, was previously identified in a large family with benign familial neonatal-infantile seizures (BFNIS) and was not detected in 88 control individuals (Herlenius et al., 2007). Therefore, based on the currently available information, Glu430Ala is considered a disease-causing mutation. The variant is found in EPILEPSY panel(s).

Channelopathy-Associated Epilepsy Research Center
No classification provided (evidence only). Condition: Complex neurodevelopmental disorder. Review status: no classification provided. Collection method: literature only. Allele origin: not applicable. Functional consequence: Normal peak current, Normal voltage dependence of activation, Normal slope of activation, Normal voltage dependence of fast inactivation, Normal slope of fast inactivation, Normal rate of recovery from fast inactivation, Normal recovery from slow inactivation, Normal fast inactivation, Normal ramp current, Normal persistent current. Not counted in ClinVar's aggregate classification.
ClinVar note: "not provided" was previously submitted as the classification for the variant. However, the classification appeared to be based only on an observation of functional data so it was converted to no classification on 2025-07-30.

Literature cited by the submitters: PubMed 37578743 (cited by Channelopathy-Associated Epilepsy Research Center).

NM_001040142.2(SCN2A):c.1289A>C (p.Glu430Ala)

Gene: SCN2A (sodium voltage-gated channel alpha subunit 2; plus strand). Cytogenetic location: 2q24.3.
Variant type: single nucleotide variant.
Coding change: c.1289A>C on transcript NM_001040142.2 (MANE Select); coding-DNA position 1289, A replaced by C.
Protein change: p.Glu430Ala; replaces glutamic acid 430 with alanine.
Molecular consequence: missense variant.
Genome position (GRCh38, 1-based): chr2:165,314,014, A>C. VCF-style: chr2-165314014-A-C. GRCh37 (hg19) VCF-style: chr2-166170524-A-C.
Other names: p.E430A:GAA>GCA; c.1289A>C, p.Glu430Ala (NM_001040143.2, NM_001371246.1, NM_001371247.1 and 1 more transcripts); short protein forms E430A.
Identifiers: ClinVar variation 207055 (VCV000207055.6), dbSNP rs796053183, ClinGen allele CA318117.